The following is an entry in ClinVar:

NM_006506.5(RASA2):c.26C>T (p.Ala9Val)

Genes: RASA2 (RAS p21 protein activator 2; plus strand), LOC129937686 (ATAC-STARR-seq lymphoblastoid silent region 14777; plus strand). Cytogenetic location: 3q23.
Variant type: single nucleotide variant.
Coding change: c.26C>T on transcript NM_006506.5 (MANE Select); coding-DNA position 26, C replaced by T.
Protein change: p.Ala9Val; replaces alanine 9 with valine.
Molecular consequence: missense variant.
Genome position (GRCh38, 1-based): chr3:141,487,109, C>T. VCF-style: chr3-141487109-C-T. GRCh37 (hg19) VCF-style: chr3-141205951-C-T.
Other names: c.26C>T (NM_001303246.1); c.26C>T, p.Ala9Val (NM_001303245.3, NM_001303246.3); short protein forms A9V.
Identifiers: ClinVar variation 929175 (VCV000929175.82), dbSNP rs200191034, ClinGen allele CA2645073.

ClinVar aggregate classification (germline): Benign/Likely benign. Review status: criteria provided, multiple submitters, no conflicts (2 of 4 stars). 9 submissions from 9 submitters: Benign (4); Likely benign (4). 1 of the submissions does not count toward it. Last evaluated 2026-04-01.

Conditions:
RASA2-related disorder. Also called: RASA2-related condition.

Allele frequency attached by ClinVar (database versions not stated): 1000 Genomes Project 30x 0.00172; 1000 Genomes Project 0.00200; ESP Exome Variant Server 0.00228; gnomAD exomes 0.00405 and 0.00622; gnomAD 0.00417 and 0.00432; TOPMed 0.00417; ExAC 0.01112.
gnomAD v4.1: 8,376 of 1,408,594 alleles (0.59%); highest among the groups gnomAD compares: Non-Finnish European, 0.72%; 32 homozygotes.

Submissions (9):

CeGaT Center for Human Genetics Tuebingen
Classification: Benign. Last evaluated: 2026-04-01. Review status: criteria provided, single submitter. Criteria: CeGaT Center For Human Genetics Tuebingen Variant Classification Criteria Version 2. Collection method: clinical testing. Allele origin: germline. Affected: yes. Observed: 13 variant alleles.
Comment: RASA2: BS1, BS2

Labcorp Genetics (formerly Invitae), Labcorp
Classification: Benign. Last evaluated: 2026-02-01. Review status: criteria provided, single submitter. Criteria: Invitae Variant Classification Sherloc (09022015). Collection method: clinical testing. Allele origin: germline.

Blueprint Genetics
Classification: Likely benign. Last evaluated: 2024-11-22. Review status: criteria provided, single submitter. Criteria: ACMG Guidelines, 2015. Collection method: clinical testing. Allele origin: germline.

ARUP Laboratories, Molecular Genetics and Genomics, ARUP Laboratories
Classification: Benign. Last evaluated: 2023-03-01. Review status: criteria provided, single submitter. Criteria: ARUP Molecular Germline Variant Investigation Process 2024. Collection method: clinical testing. Allele origin: germline.

Ambry Genetics
Classification: Likely benign. Last evaluated: 2022-10-09. Review status: criteria provided, single submitter. Criteria: Ambry Variant Classification Scheme 2023. Collection method: clinical testing. Allele origin: germline.

GeneDx
Classification: Likely benign. Last evaluated: 2019-11-30. Review status: criteria provided, single submitter. Criteria: GeneDx Variant Classification Process June 2021. Collection method: clinical testing. Allele origin: germline. Affected: yes.

Women's Health and Genetics/Laboratory Corporation of America, LabCorp
Classification: Benign. Last evaluated: 2019-08-26. Review status: criteria provided, single submitter. Criteria: LabCorp Variant Classification Summary - May 2015. Collection method: clinical testing. Allele origin: germline.
Comment: Variant summary: RASA2 c.26C>T (p.Ala9Val) results in a non-conservative amino acid change in the encoded protein sequence. Four of five in-silico tools predict a benign effect of the variant on protein function. The variant allele was found at a frequency of 0.0041 in 91248 control chromosomes in the gnomAD database, including 4 homozygotes. The observed variant frequency is approximately 811 fold of the estimated maximal expected allele frequency for a pathogenic variant in RASA2 causing Noonan Syndrome and Related Conditions phenotype (5e-06), strongly suggesting that the variant is benign. To our knowledge, no occurrence of c.26C>T in individuals affected with Noonan Syndrome and Related Conditions and no experimental evidence demonstrating its impact on protein function have been reported. No clinical diagnostic laboratories have submitted clinical-significance assessments for this variant to ClinVar after 2014. Based on the evidence outlined above, the variant was classified as benign.

Breakthrough Genomics
Classification: Likely benign. Review status: criteria provided, single submitter. Criteria: ACMG Guidelines, 2015. Collection method: not provided. Allele origin: germline. Inheritance: Unknown mechanism. Affected: yes.

PreventionGenetics, part of Exact Sciences
Classification: Benign for RASA2-related condition. Last evaluated: 2020-12-14. Review status: no assertion criteria provided. Collection method: clinical testing. Allele origin: germline. Not counted in ClinVar's aggregate classification.
Comment: This variant is classified as benign based on ACMG/AMP sequence variant interpretation guidelines (Richards et al. 2015 PMID: 25741868, with internal and published modifications).